The following is an entry in ClinVar:

NM_001365536.1(SCN9A):c.3964A>G (p.Met1322Val)

Genes: SCN1A-AS1 (SCN1A and SCN9A antisense RNA 1; plus strand), SCN9A (sodium voltage-gated channel alpha subunit 9; minus strand). Cytogenetic location: 2q24.3.
Variant type: single nucleotide variant.
Coding change: c.3964A>G on transcript NM_001365536.1 (MANE Select); coding-DNA position 3964, A replaced by G.
Protein change: p.Met1322Val; replaces methionine 1322 with valine.
Molecular consequence: missense variant.
Genome position (GRCh38, 1-based): chr2:166,228,933, T>C on the plus strand (A>G on the coding strand, the complement: SCN9A is on the minus strand). VCF-style: chr2-166228933-T-C. GRCh37 (hg19) VCF-style: chr2-167085443-T-C.
Other names: c.3931A>G, p.Met1311Val (NM_002977.4); short protein forms M1311V, M1322V.
Identifiers: ClinVar variation 1005728 (VCV001005728.9), dbSNP rs563367690, ClinGen allele CA1943971.

ClinVar aggregate classification (germline): Uncertain significance (1 of 4 stars; one submission).

Conditions:
Neuropathy, hereditary sensory and autonomic, type 2A (HSAN2A). Also called: HSAN IIA; MORVAN DISEASE; NEUROPATHY, CONGENITAL SENSORY; NEUROPATHY, HEREDITARY SENSORY RADICULAR, AUTOSOMAL RECESSIVE; NEUROPATHY, HEREDITARY SENSORY, TYPE IIA; NEUROPATHY, PROGRESSIVE SENSORY, OF CHILDREN. Identifiers: Orphanet 970, MedGen C2752089, MONDO:0024309, OMIM 201300.
Generalized epilepsy with febrile seizures plus, type 7 (GEFSP7). Also called: GEFS+, TYPE 7. Identifiers: Orphanet 36387, MedGen C2751778, MONDO:0013470, OMIM 613863.

Allele frequency attached by ClinVar (database versions not stated): gnomAD exomes below 0.00001; ExAC 0.00001; gnomAD 0.00001; 1000 Genomes Project 30x 0.00016; 1000 Genomes Project 0.00020.

Submission:

Labcorp Genetics (formerly Invitae), Labcorp
Classification: Uncertain significance for Neuropathy, hereditary sensory and autonomic, type 2A; Generalized epilepsy with febrile seizures plus, type 7. Last evaluated: 2020-10-20. Review status: criteria provided, single submitter. Criteria: Invitae Variant Classification Sherloc (09022015). Collection method: clinical testing. Allele origin: germline.
Comment: This variant has not been reported in the literature in individuals with SCN9A-related conditions. This variant is present in population databases (rs563367690, ExAC 0.009%). This sequence change replaces methionine with valine at codon 1311 of the SCN9A protein (p.Met1311Val). The methionine residue is highly conserved and there is a small physicochemical difference between methionine and valine. Algorithms developed to predict the effect of missense changes on protein structure and function are either unavailable or do not agree on the potential impact of this missense change (SIFT: "Deleterious"; PolyPhen-2: "Benign"; Align-GVGD: "Class C0"). In summary, the available evidence is currently insufficient to determine the role of this variant in disease. Therefore, it has been classified as a Variant of Uncertain Significance.